The following is an entry in ClinVar:

ClinVar aggregate classification (germline): Pathogenic (1 of 4 stars; one submission).

Conditions:
Wilson disease (WND). Also called: Wilson's disease. Identifiers: Orphanet 905, MedGen C0019202, MONDO:0010200, OMIM 277900. Disease mechanism: loss of function.

Submission:

Natera, Inc.
Classification: Pathogenic for Wilson disease. Last evaluated: 2024-03-22. Review status: criteria provided, single submitter. Criteria: Natera Variant Classification Schema (03/2026). Collection method: clinical testing. Allele origin: germline.
Comment: The c.3028A>G variant in ATP7B is a missense variant predicted to cause substitution of lysine to glutamic acid at amino acid 1010. This variant is rare in the general population with a frequency below the threshold expected for the associated phenotype(s). This variant has been observed in one or more individuals affected with the associated recessive disease, as either homozygous or compound heterozygous with a second variant (PMID: 35220961). A different variant at the same position has been determined to be Pathogenic or Likely Pathogenic. Computational prediction algorithms indicate this variant is likely to affect gene or protein function. Given the available evidence, this variant is classified as Pathogenic.

Literature cited by the submitters: PubMed 35220961.

NM_000053.4(ATP7B):c.3028A>G (p.Lys1010Glu)

Gene: ATP7B (ATPase copper transporting beta; minus strand). Cytogenetic location: 13q14.3.
Variant type: single nucleotide variant.
Coding change: c.3028A>G on transcript NM_000053.4 (MANE Select); coding-DNA position 3028, A replaced by G.
Protein change: p.Lys1010Glu; replaces lysine 1010 with glutamic acid.
Molecular consequence: missense variant. On other transcripts: intron variant (6).
Genome position (GRCh38, 1-based): chr13:51,946,316, T>C on the plus strand (A>G on the coding strand, the complement: ATP7B is on the minus strand). VCF-style: chr13-51946316-T-C. GRCh37 (hg19) VCF-style: chr13-52520452-T-C.
Other names: c.2893A>G, p.Lys965Glu (NM_001406519.1); c.2884A>G, p.Lys962Glu (NM_001406520.1, NM_001406521.1, NM_001406522.1); c.3028A>G, p.Lys1010Glu (NM_001406523.1, NM_001406526.1, NM_001406511.1 and 2 more transcripts); c.2851A>G, p.Lys951Glu (NM_001406524.1); c.2794A>G, p.Lys932Glu (NM_001406527.1, NM_001406528.1, NM_001406538.1 and 1 more transcripts); c.2788A>G, p.Lys930Glu (NM_001406530.1); c.2974A>G, p.Lys992Glu (NM_001406515.1, NM_001406516.1); c.2932A>G, p.Lys978Glu (NM_001406517.1, NM_001406518.1); and 18 more; short protein forms K1010E, K580E, K794E, K803E, K816E, K848E, K867E, K894E.
Identifiers: ClinVar variation 4815318 (VCV004815318.1).